The following is an entry in ClinVar:

ClinVar aggregate classification (germline): Pathogenic (1 of 4 stars; one submission).

Submission:

Labcorp Genetics (formerly Invitae), Labcorp
Classification: Pathogenic. Last evaluated: 2023-07-14. Review status: criteria provided, single submitter. Criteria: Invitae Variant Classification Sherloc (09022015). Collection method: clinical testing. Allele origin: germline.
Comment: This variant disrupts a region of the PHEX protein in which other variant(s) (p.Val472Asp) have been determined to be pathogenic (PMID: 34141703; Invitae). This suggests that this is a clinically significant region of the protein, and that variants that disrupt it are likely to be disease-causing. For these reasons, this variant has been classified as Pathogenic. ClinVar contains an entry for this variant (Variation ID: 1035780). This variant has been observed in individual(s) with hypophosphatemic rickets (Invitae). This variant is not present in population databases (gnomAD no frequency). This variant, c.1412_1417del, is a complex sequence change that results in the deletion of 3 and insertion of 1 amino acid(s) in the PHEX protein (p.Ala471_Leu473delinsVal).

Literature cited by the submitters: PubMed 34141703.

NM_000444.6(PHEX):c.1412_1417del (p.Ala471_Leu473delinsVal)

Genes: PHEX (phosphate regulating endopeptidase X-linked; plus strand), PHEX-AS1 (PHEX antisense RNA 1; minus strand). Cytogenetic location: Xp22.11.
Variant type: Deletion.
Coding change: c.1412_1417del on transcript NM_000444.6 (MANE Select); coding-DNA positions 1412 to 1417, 6 bases deleted (CTGTTT; older notation c.1412_1417delCTGTTT).
Protein change: p.Ala471_Leu473delinsVal.
Molecular consequence: inframe indel.
Genome position (GRCh38, 1-based): chrX:22,168,319-22,168,324, CTGTTT deleted. VCF-style (leftmost placement, unchanged base first): chrX-22168318-GCTGTTT-G. GRCh37 (hg19) VCF-style: chrX-22186435-GCTGTTT-G.
Other names: c.1412_1417del, p.Ala471_Leu473delinsVal (NM_001282754.2).
Identifiers: ClinVar variation 1035780 (VCV001035780.7), dbSNP rs1933405005, ClinGen allele CA2419192449.
Genomic context (GRCh38, chrX:22,168,318, plus strand): 5'-TTAATGATTTAAGTGCTGAAACTCTGACATTATTTTTCTTTTTCCTTTTTGTAGGCGAGA[GCTGTTT>G]TGGCAAAAGTTGGCTATCCAGAGTTTATAATGAATGATACTCATGTTAATGAAGACCTCA-3'